The following is an entry in ClinVar:

NM_002225.5(IVD):c.594T>G (p.Asn198Lys)

Gene: IVD (isovaleryl-CoA dehydrogenase; plus strand). Cytogenetic location: 15q15.1.
Variant type: single nucleotide variant.
Coding change: c.594T>G on transcript NM_002225.5 (MANE Select); coding-DNA position 594, T replaced by G.
Protein change: p.Asn198Lys; replaces asparagine 198 with lysine.
Molecular consequence: missense variant. On other transcripts: non-coding transcript variant (1).
Genome position (GRCh38, 1-based): chr15:40,411,598, T>G. VCF-style: chr15-40411598-T-G. GRCh37 (hg19) VCF-style: chr15-40703797-T-G.
Other names: c.504T>G, p.Asn168Lys (NM_001159508.3); c.546T>G, p.Asn182Lys (NM_001354597.3); c.594T>G, p.Asn198Lys (NM_001354598.3, NM_001354601.3); c.681T>G, p.Asn227Lys (NM_001354599.3, NM_001354600.3); short protein forms N198K, N227K, N168K, N182K.
Identifiers: ClinVar variation 4995020 (VCV004995020.1).

ClinVar aggregate classification (germline): Uncertain significance (1 of 4 stars; one submission).

Conditions:
IVD-related disorder. Also called: IVD-related condition.

Submission:

PreventionGenetics, part of Exact Sciences
Classification: Uncertain significance for IVD-related condition. Last evaluated: 2026-04-14. Review status: criteria provided, single submitter. Criteria: ACMG Guidelines, 2015. Collection method: clinical testing. Allele origin: germline.
Comment: The IVD c.603T>G variant is predicted to result in the amino acid substitution p.Asn201Lys. To our knowledge, this variant has not been reported in the literature or in a large population database (gnomAD), indicating this variant is rare. At this time, the clinical significance of this variant is uncertain due to the absence of conclusive functional and genetic evidence.